The following is an entry in ClinVar:

NM_022072.5(NSUN3):c.229C>G (p.Leu77Val)

Gene: NSUN3 (NOP2/Sun RNA methyltransferase 3; plus strand). Cytogenetic location: 3q11.2.
Variant type: single nucleotide variant.
Coding change: c.229C>G on transcript NM_022072.5 (MANE Select); coding-DNA position 229, C replaced by G.
Protein change: p.Leu77Val; replaces leucine 77 with valine.
Molecular consequence: missense variant.
Genome position (GRCh38, 1-based): chr3:94,084,213, C>G. VCF-style: chr3-94084213-C-G. GRCh37 (hg19) VCF-style: chr3-93803057-C-G.
Other names: short protein forms L77V.
Identifiers: ClinVar variation 3631122 (VCV003631122.2).

ClinVar aggregate classification (germline): Uncertain significance (1 of 4 stars; one submission).

gnomAD v4.1: 55 of 1,614,042 alleles (0.0034%); highest among the groups gnomAD compares: South Asian, 0.056%; no homozygotes.

Submission:

Labcorp Genetics (formerly Invitae), Labcorp
Classification: Uncertain significance. Last evaluated: 2024-08-29. Review status: criteria provided, single submitter. Criteria: Invitae Variant Classification Sherloc (09022015). Collection method: clinical testing. Allele origin: germline.
Comment: This sequence change replaces leucine, which is neutral and non-polar, with valine, which is neutral and non-polar, at codon 77 of the NSUN3 protein (p.Leu77Val). This variant is present in population databases (rs575022601, gnomAD 0.05%). This variant has not been reported in the literature in individuals affected with NSUN3-related conditions. An algorithm developed to predict the effect of missense changes on protein structure and function outputs the following: PolyPhen-2: "Benign". The valine amino acid residue is found in multiple mammalian species, which suggests that this missense change does not adversely affect protein function. In summary, the available evidence is currently insufficient to determine the role of this variant in disease. Therefore, it has been classified as a Variant of Uncertain Significance.